The following is an entry in ClinVar:

NM_004380.3(CREBBP):c.701C>T (p.Ala234Val)

Gene: CREBBP (CREB binding lysine acetyltransferase; minus strand). Cytogenetic location: 16p13.3.
Variant type: single nucleotide variant.
Coding change: c.701C>T on transcript NM_004380.3 (MANE Select); coding-DNA position 701, C replaced by T.
Protein change: p.Ala234Val; replaces alanine 234 with valine.
Molecular consequence: missense variant.
Genome position (GRCh38, 1-based): chr16:3,850,394, G>A on the plus strand (C>T on the coding strand, the complement: CREBBP is on the minus strand). VCF-style: chr16-3850394-G-A. GRCh37 (hg19) VCF-style: chr16-3900395-G-A.
Other names: c.701C>T, p.Ala234Val (NM_001079846.1); c.701C>T (NM_004380.2); short protein forms A234V.
Identifiers: ClinVar variation 166966 (VCV000166966.14), dbSNP rs727503892, ClinGen allele CA179942.

ClinVar aggregate classification (germline): Likely benign. Review status: criteria provided, multiple submitters, no conflicts (2 of 4 stars). 4 submissions from 4 submitters: Likely benign (3). 1 of the submissions does not count toward it. Last evaluated 2025-06-20.

Conditions:
CREBBP-related disorder. Also called: CREBBP-related disorders; CREBBP-related condition.
Rubinstein-Taybi syndrome (RSTS). Identifiers: Orphanet 783, MedGen C0035934, MONDO:0019188.
Inborn genetic diseases. Identifiers: MedGen C0950123, MeSH D030342.

Allele frequency attached by ClinVar (database versions not stated): TOPMed 0.00004; gnomAD exomes 0.00001 and 0.00002; gnomAD 0.00002 and 0.00003; ExAC 0.00001.

Submissions (4):

Labcorp Genetics (formerly Invitae), Labcorp
Classification: Likely benign for Rubinstein-Taybi syndrome. Last evaluated: 2025-06-20. Review status: criteria provided, single submitter. Criteria: Invitae Variant Classification Sherloc (09022015). Collection method: clinical testing. Allele origin: germline.

Ambry Genetics
Classification: Likely benign for Inborn genetic diseases. Last evaluated: 2022-04-14. Review status: criteria provided, single submitter. Criteria: Ambry Variant Classification Scheme 2023. Collection method: clinical testing. Allele origin: germline.

Eurofins Ntd Llc (ga)
Classification: Likely benign. Last evaluated: 2014-02-20. Review status: criteria provided, single submitter. Criteria: EGL Classification Definitions 2015. Collection method: clinical testing. Allele origin: germline. Observed: 2 variant alleles, 2 heterozygotes.

PreventionGenetics, part of Exact Sciences
Classification: Likely benign for CREBBP-related condition. Last evaluated: 2023-07-13. Review status: no assertion criteria provided. Collection method: clinical testing. Allele origin: germline. Not counted in ClinVar's aggregate classification.
Comment: This variant is classified as likely benign based on ACMG/AMP sequence variant interpretation guidelines (Richards et al. 2015 PMID: 25741868, with internal and published modifications).